The following is an entry in ClinVar:

NM_002691.4(POLD1):c.2938_2948dup (p.Leu984fs)

Gene: POLD1 (DNA polymerase delta 1, catalytic subunit; plus strand). Cytogenetic location: 19q13.33.
Variant type: Duplication.
Coding change: c.2938_2948dup on transcript NM_002691.4 (MANE Select); coding-DNA positions 2938 to 2948, 11 bases duplicated (GAGGCTGTGCT).
Protein change: p.Leu984fs; shifts the reading frame from leucine 984.
Molecular consequence: frameshift variant. On other transcripts: non-coding transcript variant (1).
Genome position (GRCh38, 1-based): chr19:50,416,513-50,416,523, GAGGCTGTGCT duplicated. VCF-style (leftmost placement, unchanged base first): chr19-50416512-C-CGAGGCTGTGCT. GRCh37 (hg19) VCF-style: chr19-50919769-C-CGAGGCTGTGCT.
Other names: c.2938_2948dup, p.Leu984fs (NM_001256849.1); c.3016_3026dup, p.Leu1010fs (NM_001308632.1); short protein forms L1010fs, L984fs.
Identifiers: ClinVar variation 484387 (VCV000484387.5), dbSNP rs1555793355, ClinGen allele CA658658848.

ClinVar aggregate classification (germline): Uncertain significance (1 of 4 stars; one submission).

Conditions:
Hereditary cancer-predisposing syndrome. Also called: Neoplastic Syndromes, Hereditary; Tumor predisposition; Hereditary Cancer Syndrome; Hereditary neoplastic syndrome. Identifiers: Orphanet 140162, MedGen C0027672, MeSH D009386, MONDO:0015356.

Submission:

Ambry Genetics
Classification: Uncertain significance for Hereditary cancer-predisposing syndrome. Last evaluated: 2016-06-22. Review status: criteria provided, single submitter. Criteria: Ambry Variant Classification Scheme 2023. Collection method: clinical testing. Allele origin: germline.
Comment: The c.2938_2948dupGAGGCTGTGCT variant, located in coding exon 22 of the POLD1 gene, results from a duplication of GAGGCTGTGCT at nucleotide position 2938, causing a translational frameshift with a predicted alternate stop codon. This variant was not reported in population based cohorts in the following databases: Database of Single Nucleotide Polymorphisms(dbSNP), NHLBI Exome Sequencing Project (ESP), and 1000 Genomes Project. In the ESP, this variant was not observed in 6347 samples (12694 alleles) with coverage at this position. To date, this alteration has been detected with an allele frequency of approximately 0.001% (greater than 80000 alleles tested) in our clinical cohort. As neither this specific alteration nor loss of function as a mechanism of pathogenicity have been well-described in the POLD1 gene, the clinical significance of this variant remains unknown (ACMG Standards and guidelines for the interpretation of sequence variants. Genet Med. 2015 May;17(5):405-23).